The following is an entry in ClinVar:

NM_000264.5(PTCH1):c.596T>G (p.Leu199Trp)

Gene: PTCH1 (patched 1; minus strand). Cytogenetic location: 9q22.32.
Variant type: single nucleotide variant.
Coding change: c.596T>G on transcript NM_000264.5 (MANE Select); coding-DNA position 596, T replaced by G.
Protein change: p.Leu199Trp; replaces leucine 199 with tryptophan.
Molecular consequence: missense variant. On other transcripts: non-coding transcript variant (1).
Genome position (GRCh38, 1-based): chr9:95,482,192, A>C on the plus strand (T>G on the coding strand, the complement: PTCH1 is on the minus strand). VCF-style: chr9-95482192-A-C. GRCh37 (hg19) VCF-style: chr9-98244474-A-C.
Other names: c.398T>G, p.Leu133Trp (NM_001083602.3, NM_001354919.2); c.593T>G, p.Leu198Trp (NM_001083603.3); c.143T>G, p.Leu48Trp (NM_001083604.3, NM_001083605.3, NM_001083606.3 and 1 more transcripts); c.596T>G, p.Leu199Trp (NM_001354918.2); short protein forms L133W, L199W, L198W, L48W.
Identifiers: ClinVar variation 237500 (VCV000237500.9), dbSNP rs767791358, ClinGen allele CA5138895.

ClinVar aggregate classification (germline): Uncertain significance (1 of 4 stars; one submission).

Conditions:
Gorlin syndrome. Also called: Nevoid Basal Cell Carcinoma Syndrome; Basal cell nevus syndrome. Identifiers: Orphanet 377, MedGen C0004779, MONDO:0007187.

Allele frequency attached by ClinVar (database versions not stated): gnomAD exomes below 0.00001; ExAC 0.00002.
gnomAD v4.1: 2 of 1,614,058 alleles (0.00012%); highest among the groups gnomAD compares: Non-Finnish European, 0.000085%; no homozygotes.

Submission:

Labcorp Genetics (formerly Invitae), Labcorp
Classification: Uncertain significance for Gorlin syndrome. Last evaluated: 2015-12-20. Review status: criteria provided, single submitter. Criteria: Invitae Variant Classification Sherloc (09022015). Collection method: clinical testing. Allele origin: germline.
Comment: Algorithms developed to predict the effect of missense changes on protein structure and function (SIFT, PolyPhen-2, Align-GVGD) all suggest that this variant is likely to be disruptive, but these predictions have not been confirmed by published functional studies. This sequence change replaces leucine with tryptophan at codon 199 of the PTCH1 protein (p.Leu199Trp). The leucine residue is highly conserved and there is a small physicochemical difference between leucine and tryptophan. In summary, this is a rare missense change with uncertain impact on protein function. There is no indication that this variant causes disease, but the evidence is insufficient at this time to prove that conclusively. Therefore, it has been classified as a Variant of Uncertain Significance. This variant is present in population databases (rs767791358, ExAC 0.02%) but has not been reported in the literature in individuals with a PTCH1-related disease.